The following is an entry in ClinVar:

ClinVar aggregate classification (germline): Uncertain significance (1 of 4 stars; one submission).

Conditions:
Early-infantile DEE. Also called: Ohtahara syndrome; Early infantile epileptic encephalopathy; Early infantile epileptic encephalopathy with suppression bursts. Identifiers: Orphanet 1934, MedGen C0393706, MONDO:0800491.

Submission:

Labcorp Genetics (formerly Invitae), Labcorp
Classification: Uncertain significance for Early-infantile DEE. Last evaluated: 2022-03-08. Review status: criteria provided, single submitter. Criteria: Invitae Variant Classification Sherloc (09022015). Collection method: clinical testing. Allele origin: germline.
Comment: This sequence change replaces methionine, which is neutral and non-polar, with threonine, which is neutral and polar, at codon 689 of the SCN1A protein (p.Met689Thr). This variant is not present in population databases (gnomAD no frequency). This variant has not been reported in the literature in individuals affected with SCN1A-related conditions. ClinVar contains an entry for this variant (Variation ID: 568072). Advanced modeling of protein sequence and biophysical properties (such as structural, functional, and spatial information, amino acid conservation, physicochemical variation, residue mobility, and thermodynamic stability) performed at Invitae indicates that this missense variant is not expected to disrupt SCN1A protein function. In summary, the available evidence is currently insufficient to determine the role of this variant in disease. Therefore, it has been classified as a Variant of Uncertain Significance.

NM_001165963.4(SCN1A):c.2066T>C (p.Met689Thr)

Gene: SCN1A (sodium voltage-gated channel alpha subunit 1; minus strand). Cytogenetic location: 2q24.3.
Variant type: single nucleotide variant.
Coding change: c.2066T>C on transcript NM_001165963.4 (MANE Select); coding-DNA position 2066, T replaced by C.
Protein change: p.Met689Thr; replaces methionine 689 with threonine.
Molecular consequence: missense variant. On other transcripts: 5 prime UTR variant (1), non-coding transcript variant (1).
Genome position (GRCh38, 1-based): chr2:166,042,402, A>G on the plus strand (T>C on the coding strand, the complement: SCN1A is on the minus strand). VCF-style: chr2-166042402-A-G. GRCh37 (hg19) VCF-style: chr2-166898912-A-G.
Other names: c.1982T>C, p.Met661Thr (NM_001165964.3, NM_001353957.2, NM_001353958.2); c.2066T>C, p.Met689Thr (NM_001202435.3, NM_001353948.2); c.2033T>C, p.Met678Thr (NM_001353949.2, NM_001353950.2, NM_001353951.2 and 2 more transcripts); c.2030T>C, p.Met677Thr (NM_001353954.2, NM_001353955.2); c.1979T>C, p.Met660Thr (NM_001353960.2); c.-393T>C (NM_001353961.2); short protein forms M678T, M689T, M660T, M661T, M677T.
Identifiers: ClinVar variation 568072 (VCV000568072.11), dbSNP rs1559213016, ClinGen allele CA349066104.
Genomic context (GRCh38, chr2:166,042,402, plus strand): 5'-TGGGAAGGATCTTCTAGAAAGTCCATGGAAACGTGGAAAGAACTTGACCTTCTCTTTCTC[A>G]TTTCAGTTTCAGTGGTTGTTCCCTGTAAAAAAAAATGCTAATGCATTAAACAATTAATTT-3'
Protein context (NP_001159435.1, residues 679-699): DDNGTTTETE[Met689Thr]RKRRSSSFHV